The following is an entry in ClinVar:

NM_020778.5(ALPK3):c.2456G>A (p.Arg819Gln)

Gene: ALPK3 (alpha kinase 3; plus strand). Cytogenetic location: 15q25.3.
Variant type: single nucleotide variant.
Coding change: c.2456G>A on transcript NM_020778.5 (MANE Select); coding-DNA position 2456, G replaced by A.
Protein change: p.Arg819Gln; replaces arginine 819 with glutamine.
Molecular consequence: missense variant.
Genome position (GRCh38, 1-based): chr15:84,857,194, G>A. VCF-style: chr15-84857194-G-A. GRCh37 (hg19) VCF-style: chr15-85400425-G-A.
Other names: short protein forms R1021Q, R819Q.
Identifiers: ClinVar variation 452248 (VCV000452248.11), dbSNP rs116079740, ClinGen allele CA7709417.

ClinVar aggregate classification (germline): Conflicting classifications of pathogenicity. Review status: criteria provided, conflicting classifications (1 of 4 stars). 4 submissions from 4 submitters: Uncertain significance (3); Likely benign (1). Last evaluated 2026-03-09.

Conditions:
ALPK3-related disorder. Also called: ALPK3-related condition.
Cardiovascular phenotype. Identifiers: MedGen CN230736.

Allele frequency attached by ClinVar (database versions not stated): TOPMed 0.00006; ESP Exome Variant Server 0.00008; 1000 Genomes Project 30x 0.00016; 1000 Genomes Project 0.00020; gnomAD exomes 0.00001 and 0.00003; gnomAD 0.00002 and 0.00004; ExAC 0.00003.

Submissions (4):

PreventionGenetics, part of Exact Sciences
Classification: Uncertain significance for ALPK3-related condition. Last evaluated: 2026-03-09. Review status: criteria provided, single submitter. Criteria: ACMG Guidelines, 2015. Collection method: clinical testing. Allele origin: germline.
Comment: The ALPK3 c.3062G>A variant is predicted to result in the amino acid substitution p.Arg1021Gln. To our knowledge, this variant has not been reported in the literature. This variant is reported in 0.020% of alleles in individuals of African descent in gnomAD. At this time, the clinical significance of this variant is uncertain due to the absence of conclusive functional and genetic evidence.

Labcorp Genetics (formerly Invitae), Labcorp
Classification: Uncertain significance. Last evaluated: 2025-11-06. Review status: criteria provided, single submitter. Criteria: Invitae Variant Classification Sherloc (09022015). Collection method: clinical testing. Allele origin: germline.
Comment: This sequence change replaces arginine, which is basic and polar, with glutamine, which is neutral and polar, at codon 1021 of the ALPK3 protein (p.Arg1021Gln). This variant is present in population databases (rs116079740, gnomAD 0.02%). This variant has not been reported in the literature in individuals affected with ALPK3-related conditions. ClinVar contains an entry for this variant (Variation ID: 452248). Invitae Evidence Modeling of protein sequence and biophysical properties (such as structural, functional, and spatial information, amino acid conservation, physicochemical variation, residue mobility, and thermodynamic stability) indicates that this missense variant is not expected to disrupt ALPK3 protein function with a negative predictive value of 80%. In summary, the available evidence is currently insufficient to determine the role of this variant in disease. Therefore, it has been classified as a Variant of Uncertain Significance.

GeneDx
Classification: Uncertain significance. Last evaluated: 2023-03-06. Review status: criteria provided, single submitter. Criteria: GeneDx Variant Classification Process June 2021. Collection method: clinical testing. Allele origin: germline. Affected: yes.
Comment: Not observed at significant frequency in large population cohorts (gnomAD); In silico analysis supports that this missense variant does not alter protein structure/function; Has not been previously published as pathogenic or benign to our knowledge

Ambry Genetics
Classification: Likely benign for Cardiovascular phenotype. Last evaluated: 2020-07-09. Review status: criteria provided, single submitter. Criteria: Ambry Variant Classification Scheme 2023. Collection method: clinical testing. Allele origin: germline.